The following is an entry in ClinVar:

NM_001005337.3(PKP1):c.1492G>A (p.Asp498Asn)

Gene: PKP1 (plakophilin 1; plus strand). Cytogenetic location: 1q32.1.
Variant type: single nucleotide variant.
Coding change: c.1492G>A on transcript NM_001005337.3 (MANE Select); coding-DNA position 1492, G replaced by A.
Protein change: p.Asp498Asn; replaces aspartic acid 498 with asparagine.
Molecular consequence: missense variant.
Genome position (GRCh38, 1-based): chr1:201,322,122, G>A. VCF-style: chr1-201322122-G-A. GRCh37 (hg19) VCF-style: chr1-201291250-G-A.
Other names: c.1555G>A, p.Asp519Asn (NM_000299.4); short protein forms D519N, D498N.
Identifiers: ClinVar variation 1430065 (VCV001430065.6), dbSNP rs769099812, ClinGen allele CA1324486.

ClinVar aggregate classification (germline): Uncertain significance (1 of 4 stars; one submission).

Allele frequency attached by ClinVar (database versions not stated): ExAC 0.00001; gnomAD 0.00001; gnomAD exomes 0.00002; TOPMed 0.00002.
gnomAD v4.1: 22 of 1,611,228 alleles (0.0014%); highest among the groups gnomAD compares: Middle Eastern, 0.016%; no homozygotes.

Submission:

Labcorp Genetics (formerly Invitae), Labcorp
Classification: Uncertain significance. Last evaluated: 2025-12-11. Review status: criteria provided, single submitter. Criteria: Invitae Variant Classification Sherloc (09022015). Collection method: clinical testing. Allele origin: germline.
Comment: This sequence change replaces aspartic acid, which is acidic and polar, with asparagine, which is neutral and polar, at codon 498 of the PKP1 protein (p.Asp498Asn). This variant is present in population databases (rs769099812, gnomAD 0.005%). This variant has not been reported in the literature in individuals affected with PKP1-related conditions. ClinVar contains an entry for this variant (Variation ID: 1430065). Invitae Evidence Modeling of protein sequence and biophysical properties (such as structural, functional, and spatial information, amino acid conservation, physicochemical variation, residue mobility, and thermodynamic stability) indicates that this missense variant is not expected to disrupt PKP1 protein function with a negative predictive value of 80%. In summary, the available evidence is currently insufficient to determine the role of this variant in disease. Therefore, it has been classified as a Variant of Uncertain Significance.